The following is an entry in ClinVar:

ClinVar aggregate classification (germline): Likely benign (1 of 4 stars; one submission).

Submission:

CeGaT Center for Human Genetics Tuebingen
Classification: Likely benign. Last evaluated: 2026-05-01. Review status: criteria provided, single submitter. Criteria: CeGaT Center For Human Genetics Tuebingen Variant Classification Criteria Version 2. Collection method: clinical testing. Allele origin: germline. Affected: yes. Observed: 1 variant allele.
Comment: FGF4: BS2

NM_002007.4(FGF4):c.86C>T (p.Ala29Val)

Gene: FGF4 (fibroblast growth factor 4; minus strand). Cytogenetic location: 11q13.3.
Variant type: single nucleotide variant.
Coding change: c.86C>T on transcript NM_002007.4 (MANE Select); coding-DNA position 86, C replaced by T.
Protein change: p.Ala29Val; replaces alanine 29 with valine.
Molecular consequence: missense variant.
Genome position (GRCh38, 1-based): chr11:69,774,999, G>A on the plus strand (C>T on the coding strand, the complement: FGF4 is on the minus strand). VCF-style: chr11-69774999-G-A. GRCh37 (hg19) VCF-style: chr11-69589767-G-A.
Other names: short protein forms A29V.
Identifiers: ClinVar variation 4872009 (VCV004872009.2).